The following is an entry in ClinVar:

ClinVar aggregate classification (germline): Pathogenic/Likely pathogenic. Review status: criteria provided, multiple submitters, no conflicts (2 of 4 stars). 3 submissions from 3 submitters: Pathogenic (2); Likely pathogenic (1). Last evaluated 2026-07-13.

Conditions:
Episodic ataxia type 2 (EA2). Also called: ACETAZOLAMIDE-RESPONSIVE HEREDITARY PAROXYSMAL CEREBELLAR ATAXIA; ATAXIA, EPISODIC, WITH NYSTAGMUS; ATAXIA, FAMILIAL PAROXYSMAL; CEREBELLAR ATAXIA, PAROXYSMAL, ACETAZOLAMIDE-RESPONSIVE; CEREBELLOPATHY, HEREDITARY PAROXYSMAL; EPISODIC ATAXIA, NYSTAGMUS-ASSOCIATED. Identifiers: Orphanet 97, MedGen C1720416, MONDO:0007163, OMIM 108500.
Developmental and epileptic encephalopathy, 42 (DEE42A). Also called: DEVELOPMENTAL AND EPILEPTIC ENCEPHALOPATHY 42A; EPILEPTIC ENCEPHALOPATHY, EARLY INFANTILE, 42A; Epileptic encephalopathy, early infantile, 42. Identifiers: MedGen C4310716, MONDO:0014917, OMIM 617106.
Inborn genetic diseases. Identifiers: MedGen C0950123, MeSH D030342.

Submissions (3):

Ambry Genetics
Classification: Pathogenic for Inborn genetic diseases. Last evaluated: 2026-07-13. Review status: criteria provided, single submitter. Criteria: Ambry Variant Classification Scheme 2023. Collection method: clinical testing. Allele origin: germline.
Comment: The c.5965C>T (p.Q1989*) alteration, located in exon 41 (coding exon 41) of the CACNA1A gene, consists of a C to T substitution at nucleotide position 5965. This changes the amino acid from a glutamine (Q) to a stop codon at amino acid position 1989. This variant is expected to result in loss of function by premature protein truncation or nonsense-mediated mRNA decay. for CACNA1A-related neurologic disorder; however, it is unlikely to be causative of CACNA1A-related spinocerebellar ataxia. This variant was not reported in population-based cohorts in the Genome Aggregation Database (gnomAD). Based on the available evidence, this alteration is classified as pathogenic.

Variantyx, Inc.
Classification: Likely pathogenic for Developmental and epileptic encephalopathy, 42. Last evaluated: 2025-04-09. Review status: criteria provided, single submitter. Criteria: Variantyx Assertion Criteria 2022. Collection method: clinical testing. Allele origin: germline. Inheritance: Autosomal dominant inheritance. Affected: yes.
Comment: This is a nonsense variant in the CACNA1A gene (OMIM: 601011). Pathogenic variants in this gene have been associated with autosomal dominant CACNA1A-related disorders. This variant introduces a premature termination codon in exon 41 out of 47 and is expected to result in loss of function, which is a known disease mechanism for CACNA1A in this disorder (PMID: 10371528, 25735478) (PVS1). This variant is absent from control populations (PM2). Inheritance from an unaffected or mildly affected parent has been reported in the CACNA1A gene, consistent with incomplete penetrance and/or variable expressivity (PMID: 30142438). Based on the current evidence, this variant is classified as likely pathogenic for autosomal dominant CACNA1A-related disorders.

Labcorp Genetics (formerly Invitae), Labcorp
Classification: Pathogenic for Developmental and epileptic encephalopathy, 42; Episodic ataxia type 2. Last evaluated: 2023-12-26. Review status: criteria provided, single submitter. Criteria: Invitae Variant Classification Sherloc (09022015). Collection method: clinical testing. Allele origin: germline.
Comment: This sequence change creates a premature translational stop signal (p.Gln1989*) in the CACNA1A gene. It is expected to result in an absent or disrupted protein product. Loss-of-function variants in CACNA1A are known to be pathogenic (PMID: 10371528, 19486177, 25735478, 27250579). This variant is not present in population databases (gnomAD no frequency). This variant has not been reported in the literature in individuals affected with CACNA1A-related conditions. For these reasons, this variant has been classified as Pathogenic.

Literature cited by the submitters: PubMed 10371528 (cited by Variantyx, Inc. and Labcorp Genetics (formerly Invitae), Labcorp); PubMed 19486177 (cited by Variantyx, Inc. and Labcorp Genetics (formerly Invitae), Labcorp); PubMed 25735478 (cited by Variantyx, Inc. and Labcorp Genetics (formerly Invitae), Labcorp); PubMed 27250579 (cited by Variantyx, Inc. and Labcorp Genetics (formerly Invitae), Labcorp); PubMed 30142438 (cited by Variantyx, Inc.).

NM_001127222.2(CACNA1A):c.5962C>T (p.Gln1988Ter)

Gene: CACNA1A (calcium voltage-gated channel subunit alpha1 A; minus strand). Cytogenetic location: 19p13.13.
Variant type: single nucleotide variant.
Coding change: c.5962C>T on transcript NM_001127222.2 (MANE Select); coding-DNA position 5962, C replaced by T.
Protein change: p.Gln1988Ter; replaces glutamine 1988 with a stop codon.
Molecular consequence: nonsense.
Genome position (GRCh38, 1-based): chr19:13,212,719, G>A on the plus strand (C>T on the coding strand, the complement: CACNA1A is on the minus strand). VCF-style: chr19-13212719-G-A. GRCh37 (hg19) VCF-style: chr19-13323533-G-A.
Other names: c.5980C>T, p.Gln1994Ter (NM_000068.4, NM_023035.3); c.5965C>T, p.Gln1989Ter (NM_001127221.2); c.5971C>T, p.Gln1991Ter (NM_001174080.2); short protein forms Q1988*, Q1989*, Q1991*, Q1994*.
Identifiers: ClinVar variation 2938697 (VCV002938697.5), dbSNP rs2512537287, ClinGen allele CA404333627.
Genomic context (GRCh38, chr19:13,212,719, plus strand): 5'-AGGGGAGGGCGTTCTGGCCAGGTCCCCCTTCCTGCGTTGGGGACGGGGGCTCCATGCGCT[G>A]GAACATGAGGGGTGTCCGGTCCTGGGGAATGGGGCAGAGAGCAGTGTGTGGACAAGGGTG-3'